The following is an entry in ClinVar:

ClinVar aggregate classification (germline): Uncertain significance (1 of 4 stars; one submission).

Conditions:
Wilson disease (WND). Also called: Wilson's disease. Identifiers: Orphanet 905, MedGen C0019202, MONDO:0010200, OMIM 277900. Disease mechanism: loss of function.

gnomAD v4.1: 1 of 1,609,158 alleles (0.000062%); highest among the groups gnomAD compares: Non-Finnish European, 0.000085%; no homozygotes.

Submission:

All of Us Research Program, National Institutes of Health
Classification: Uncertain significance for Wilson disease. Last evaluated: 2024-01-03. Review status: criteria provided, single submitter. Criteria: ACMG Guidelines, 2015. Collection method: clinical testing. Allele origin: germline. Inheritance: Autosomal recessive inheritance. Observed: 1 variant allele, 1 heterozygote.
Comment: This missense variant replaces alanine with glycine at codon 1003 of the ATP7B protein. Computational prediction suggests that this variant may have deleterious impact on protein structure and function (internally defined REVEL score threshold >= 0.7, PMID: 27666373). To our knowledge, functional studies have not been reported for this variant. This variant has not been reported in individuals affected with ATP7B-related disorders in the literature. This variant has not been identified in the general population by the Genome Aggregation Database (gnomAD). The available evidence is insufficient to determine the role of this variant in disease conclusively. Therefore, this variant is classified as a Variant of Uncertain Significance.

This study involves interpretation of variants in research participants for the purpose of population health screening. Participant phenotype was not available at the time of variant classification. Additional details can be found in publication PMID: 35346344, PMCID: PMC8962531

NM_000053.4(ATP7B):c.3008C>G (p.Ala1003Gly)

Gene: ATP7B (ATPase copper transporting beta; minus strand). Cytogenetic location: 13q14.3.
Variant type: single nucleotide variant.
Coding change: c.3008C>G on transcript NM_000053.4 (MANE Select); coding-DNA position 3008, C replaced by G.
Protein change: p.Ala1003Gly; replaces alanine 1003 with glycine.
Molecular consequence: missense variant. On other transcripts: intron variant (6).
Genome position (GRCh38, 1-based): chr13:51,946,336, G>C on the plus strand (C>G on the coding strand, the complement: ATP7B is on the minus strand). VCF-style: chr13-51946336-G-C. GRCh37 (hg19) VCF-style: chr13-52520472-G-C.
Other names: c.2864C>G, p.Ala955Gly (NM_001406522.1, NM_001406520.1, NM_001406521.1); c.3008C>G, p.Ala1003Gly (NM_001406523.1, NM_001406526.1, NM_001406511.1 and 2 more transcripts); c.2831C>G, p.Ala944Gly (NM_001406524.1); c.2774C>G, p.Ala925Gly (NM_001406527.1, NM_001406528.1, NM_001330578.2 and 1 more transcripts); c.2768C>G, p.Ala923Gly (NM_001406530.1); c.2756C>G, p.Ala919Gly (NM_001406531.1, NM_001406532.1, NM_001330579.2); c.2720C>G, p.Ala907Gly (NM_001406534.1); c.2387C>G, p.Ala796Gly (NM_001005918.3); and 18 more; short protein forms A1003G, A573G, A787G, A796G, A809G, A841G, A860G, A887G.
Identifiers: ClinVar variation 3075300 (VCV003075300.1), dbSNP rs775055397, ClinGen allele CA388032023.